The following is an entry in ClinVar:

ClinVar aggregate classification (germline): Pathogenic. Review status: criteria provided, multiple submitters, no conflicts (2 of 4 stars). 3 submissions from 3 submitters: Pathogenic (2). 1 of the submissions does not count toward it. Last evaluated 2025-03-16.

Conditions:
Kennedy disease (SMAX1). Also called: KENNEDY SPINAL AND BULBAR MUSCULAR ATROPHY; SPINAL AND BULBAR MUSCULAR ATROPHY, X-LINKED 1; Spinal and Bulbar Muscular Atrophy. Identifiers: Orphanet 481, MedGen C1839259, MONDO:0010735, OMIM 313200.
Androgen resistance syndrome (AIS). Also called: Androgen insensitivity, complete; DIHYDROTESTOSTERONE RECEPTOR DEFICIENCY; Androgen insensitivity; Androgen insensitivity syndrome; ANDROGEN RECEPTOR DEFICIENCY; TESTICULAR FEMINIZATION SYNDROME. Identifiers: Orphanet 754, Orphanet 99429, MedGen C0039585, MONDO:0019154, OMIM 300068. Disease mechanism: loss of function.
Partial androgen insensitivity syndrome (PAIS). Also called: ANDROGEN INSENSITIVITY, PARTIAL, WITH OR WITHOUT BREAST CANCER; Reifenstein syndrome, partial; Androgen resistance syndrome, partial; Type I familial incomplete male pseudohermaphroditism; Partial Androgen Insensitivity Syndrome (PAIS); Reifenstein syndrome. Identifiers: Orphanet 90797, MedGen C0268301, MONDO:0010720, OMIM 312300.

Submissions (3):

GeneDx
Classification: Pathogenic. Last evaluated: 2025-03-16. Review status: criteria provided, single submitter. Criteria: GeneDx Variant Classification Process June 2021. Collection method: clinical testing. Allele origin: germline. Affected: yes.
Comment: RNA studies demonstrate a damaging effect: analysis of patient mRNA revealed introduction of a cryptic splice site resulting in disruption of functional domain in the protein (PMID: 9345099); Additionally, published functional studies suggest a damaging effect with this variant resulting in a protein with aberrant AR phosphorylation and loss of AR translocation to the nucleus (PMID: 9345099); Not observed at significant frequency in large population cohorts (gnomAD); In silico analysis supports a deleterious effect on splicing; This variant is associated with the following publications: (PMID: 9345099)

Labcorp Genetics (formerly Invitae), Labcorp
Classification: Pathogenic for Kennedy disease; Androgen resistance syndrome. Last evaluated: 2025-03-13. Review status: criteria provided, single submitter. Criteria: Invitae Variant Classification Sherloc (09022015). Collection method: clinical testing. Allele origin: germline.
Comment: This sequence change falls in intron 2 of the AR gene. It does not directly change the encoded amino acid sequence of the AR protein. This variant is not present in population databases (gnomAD no frequency). This variant has been observed in individual(s) with clinical features of partial androgen insensitivity syndrome (PMID: 9345099). It has also been observed to segregate with disease in related individuals. ClinVar contains an entry for this variant (Variation ID: 9844). Algorithms developed to predict the effect of variants on gene product structure and function are not available or were not evaluated for this variant. Experimental studies have shown that this variant affects AR function (PMID: 9345099). Studies have shown that this variant is associated with altered splicing resulting in multiple RNA products (PMID: 9345099). For these reasons, this variant has been classified as Pathogenic.

OMIM
Classification: Pathogenic for ANDROGEN INSENSITIVITY, PARTIAL. Last evaluated: 1997-11-01. Review status: no assertion criteria provided. Collection method: literature only. Allele origin: germline. Not counted in ClinVar's aggregate classification.

Literature cited by the submitters: PubMed 9345099 (cited by Labcorp Genetics (formerly Invitae), Labcorp and OMIM).

NM_000044.6(AR):c.1769-11T>A

Gene: AR (androgen receptor; plus strand). Cytogenetic location: Xq12.
Variant type: single nucleotide variant.
Coding change: c.1769-11T>A on transcript NM_000044.6 (MANE Select); 11 bases into the intron before coding-DNA position 1769, T replaced by A.
Molecular consequence: intron variant. On other transcripts: missense variant (1).
Genome position (GRCh38, 1-based): chrX:67,685,999, T>A. VCF-style: chrX-67685999-T-A. GRCh37 (hg19) VCF-style: chrX-66905841-T-A.
Other names: IVS2AS, T-A, -11; c.1675T>A, p.Cys559Ser (NM_001348064.1); c.173-11T>A (NM_001011645.3); c.1769-11T>A (NM_001348061.1, NM_001348063.1); short protein forms C559S.
Identifiers: ClinVar variation 9844 (VCV000009844.3), dbSNP rs2147497386, ClinGen allele CA413429085.
Genomic context (GRCh38, chrX:67,685,999, plus strand): 5'-AGAAATACCCGAAGAAAGAGACTCTGGAAACTCATTATCAGGTCTATCAACTCTTGTATT[T>A]GTTCTCCCAGGGAAACAGAAGTACCTGTGCGCCAGCAGAAATGATTGCACTATTGATAAA-3'